The following is an entry in ClinVar:

NM_006208.3(ENPP1):c.776A>G (p.Asn259Ser)

Gene: ENPP1 (ectonucleotide pyrophosphatase/phosphodiesterase 1; plus strand). Cytogenetic location: 6q23.2.
Variant type: single nucleotide variant.
Coding change: c.776A>G on transcript NM_006208.3 (MANE Select); coding-DNA position 776, A replaced by G.
Protein change: p.Asn259Ser; replaces asparagine 259 with serine.
Molecular consequence: missense variant.
Genome position (GRCh38, 1-based): chr6:131,858,728, A>G. VCF-style: chr6-131858728-A-G. GRCh37 (hg19) VCF-style: chr6-132179868-A-G.
Other names: short protein forms N259S.
Identifiers: ClinVar variation 2988397 (VCV002988397.3), dbSNP rs761158350, ClinGen allele CA4001998.
Genomic context (GRCh38, chr6:131,858,728, plus strand): 5'-AAAAATGTGGAACATATACTAAAAACATGAGACCGGTATATCCAACAAAAACTTTCCCCA[A>G]TCACTACAGCATTGTCACCGTAAGCTCTGCATTTCAACTTCTATCTGTTTGAAGAAGTGA-3'
Protein context (NP_006199.2, residues 249-269): RPVYPTKTFP[Asn259Ser]HYSIVTGLYP

ClinVar aggregate classification (germline): Uncertain significance (1 of 4 stars; one submission).

Allele frequency attached by ClinVar (database versions not stated): ExAC 0.00001; gnomAD exomes 0.00001.
gnomAD v4.1: 8 of 1,610,652 alleles (0.0005%); highest among the groups gnomAD compares: South Asian, 0.0011%; no homozygotes.

Submission:

Labcorp Genetics (formerly Invitae), Labcorp
Classification: Uncertain significance. Last evaluated: 2023-07-14. Review status: criteria provided, single submitter. Criteria: Invitae Variant Classification Sherloc (09022015). Collection method: clinical testing. Allele origin: germline.
Comment: This sequence change replaces asparagine, which is neutral and polar, with serine, which is neutral and polar, at codon 259 of the ENPP1 protein (p.Asn259Ser). This variant has not been reported in the literature in individuals affected with ENPP1-related conditions. This variant is present in population databases (rs761158350, gnomAD 0.002%). In summary, the available evidence is currently insufficient to determine the role of this variant in disease. Therefore, it has been classified as a Variant of Uncertain Significance. Advanced modeling of protein sequence and biophysical properties (such as structural, functional, and spatial information, amino acid conservation, physicochemical variation, residue mobility, and thermodynamic stability) performed at Invitae indicates that this missense variant is expected to disrupt ENPP1 protein function.